The following is an entry in ClinVar:

NM_001378418.1(TCF20):c.3661C>T (p.His1221Tyr)

Gene: TCF20 (transcription factor 20; minus strand). Cytogenetic location: 22q13.2.
Variant type: single nucleotide variant.
Coding change: c.3661C>T on transcript NM_001378418.1 (MANE Select); coding-DNA position 3661, C replaced by T.
Protein change: p.His1221Tyr; replaces histidine 1221 with tyrosine.
Molecular consequence: missense variant.
Genome position (GRCh38, 1-based): chr22:42,211,645, G>A on the plus strand (C>T on the coding strand, the complement: TCF20 is on the minus strand). VCF-style: chr22-42211645-G-A. GRCh37 (hg19) VCF-style: chr22-42607651-G-A.
Other names: c.3661C>T, p.His1221Tyr (NM_005650.4, NM_181492.3); short protein forms H1221Y.
Identifiers: ClinVar variation 1968403 (VCV001968403.5), dbSNP rs2518213941, ClinGen allele CA411785999.

ClinVar aggregate classification (germline): Uncertain significance (1 of 4 stars; one submission).

Allele frequency attached by ClinVar (database versions not stated): gnomAD exomes below 0.00001.
gnomAD v4.1: 1 of 1,614,212 alleles (0.000062%); highest among the groups gnomAD compares: Non-Finnish European, 0.000085%; no homozygotes.

Submission:

Labcorp Genetics (formerly Invitae), Labcorp
Classification: Uncertain significance. Last evaluated: 2022-06-22. Review status: criteria provided, single submitter. Criteria: Invitae Variant Classification Sherloc (09022015). Collection method: clinical testing. Allele origin: germline.
Comment: In summary, the available evidence is currently insufficient to determine the role of this variant in disease. Therefore, it has been classified as a Variant of Uncertain Significance. Algorithms developed to predict the effect of missense changes on protein structure and function are either unavailable or do not agree on the potential impact of this missense change (SIFT: "Deleterious"; PolyPhen-2: "Probably Damaging"; Align-GVGD: "Class C0"). This variant has not been reported in the literature in individuals affected with TCF20-related conditions. This variant is not present in population databases (gnomAD no frequency). This sequence change replaces histidine, which is basic and polar, with tyrosine, which is neutral and polar, at codon 1221 of the TCF20 protein (p.His1221Tyr).